The following is an entry in ClinVar:

NM_199420.4(POLQ):c.5287A>T (p.Asn1763Tyr)

Gene: POLQ (DNA polymerase theta; minus strand). Cytogenetic location: 3q13.33.
Variant type: single nucleotide variant.
Coding change: c.5287A>T on transcript NM_199420.4 (MANE Select); coding-DNA position 5287, A replaced by T.
Protein change: p.Asn1763Tyr; replaces asparagine 1763 with tyrosine.
Molecular consequence: missense variant.
Genome position (GRCh38, 1-based): chr3:121,487,644, T>A on the plus strand (A>T on the coding strand, the complement: POLQ is on the minus strand). VCF-style: chr3-121487644-T-A. GRCh37 (hg19) VCF-style: chr3-121206491-T-A.
Other names: short protein forms N1763Y.
Identifiers: ClinVar variation 3308709 (VCV003308709.1).
Genomic context (GRCh38, chr3:121,487,644, plus strand): 5'-GGTTTTTAATATCTGAAGGTGAGCCAAATAAATAACTTTCACCAGGTTGTAAAACATTAT[T>A]AGTTTTCCAAGGGTTTACAGGTGTTTCAAGAATCCCTGGAAATGTCAGCTTAGAAGCAGA-3'
Protein context (NP_955452.3, residues 1753-1773): LETPVNPWKT[Asn1763Tyr]NVLQPGESYL

ClinVar aggregate classification (germline): Uncertain significance (1 of 4 stars; one submission).

gnomAD v4.1: 1 of 1,613,280 alleles (0.000062%); highest among the groups gnomAD compares: African/African-American, 0.0013%; no homozygotes.

Submission:

Ambry Genetics
Classification: Uncertain significance. Last evaluated: 2024-05-31. Review status: criteria provided, single submitter. Criteria: Ambry Variant Classification Scheme 2023. Collection method: clinical testing. Allele origin: germline.
Comment: The p.N1763Y variant (also known as c.5287A>T), located in coding exon 16 of the POLQ gene, results from an A to T substitution at nucleotide position 5287. The asparagine at codon 1763 is replaced by tyrosine, an amino acid with dissimilar properties. This amino acid position is conserved. In addition, this alteration is predicted to be tolerated by in silico analysis. Based on the available evidence, the clinical significance of this variant remains unclear.